The following is an entry in ClinVar:

NC_000023.11:g.71171569A>G

Gene: NLGN3 (neuroligin 3; plus strand). Cytogenetic location: Xq13.1.
Variant type: single nucleotide variant.
Genome position: GRCh38 VCF-style: chrX-71171569-A-G. GRCh37 (hg19) VCF-style: chrX-70391419-A-G.
Identifiers: ClinVar variation 3898524 (VCV003898524.7).

ClinVar aggregate classification (germline): Likely benign (1 of 4 stars; one submission).

Submission:

CeGaT Center for Human Genetics Tuebingen
Classification: Likely benign. Last evaluated: 2025-04-01. Review status: criteria provided, single submitter. Criteria: CeGaT Center For Human Genetics Tuebingen Variant Classification Criteria Version 2. Collection method: clinical testing. Allele origin: germline. Affected: yes. Observed: 1 variant allele.
Comment: NLGN3: PM2:Supporting, BP4, BP7